The following is an entry in ClinVar:

NM_203447.4(DOCK8):c.4577C>T (p.Ala1526Val)

Gene: DOCK8 (dedicator of cytokinesis 8; plus strand). Cytogenetic location: 9p24.3.
Variant type: single nucleotide variant.
Coding change: c.4577C>T on transcript NM_203447.4 (MANE Select); coding-DNA position 4577, C replaced by T.
Protein change: p.Ala1526Val; replaces alanine 1526 with valine.
Molecular consequence: missense variant.
Genome position (GRCh38, 1-based): chr9:429,805, C>T. VCF-style: chr9-429805-C-T. GRCh37 (hg19) VCF-style: chr9-429805-C-T.
Other names: c.4277C>T, p.Ala1426Val (NM_001190458.2); c.4373C>T, p.Ala1458Val (NM_001193536.2); short protein forms A1458V, A1526V, A1426V.
Identifiers: ClinVar variation 4766004 (VCV004766004.1).
Genomic context (GRCh38, chr9:429,805, plus strand): 5'-ACCTATGTCACCAAGTCCTGCACCACTGCAGCAGCAGCATGGATGTCACCCGGAGCCAAG[C>T]CTGTGCCACCCTTTACCTCCTCATGAGGTTCAGTTTTGGAGCCACCAGTGTAAGAGTTCA-3'
Protein context (NP_982272.2, residues 1516-1536): SSSMDVTRSQ[Ala1526Val]CATLYLLMRF

ClinVar aggregate classification (germline): Uncertain significance (1 of 4 stars; one submission).

Conditions:
Combined immunodeficiency due to DOCK8 deficiency (HIES2). Also called: HIES autosomal recessive; Hyper-IgE recurrent infection syndrome, autosomal recessive; HYPER-IgE RECURRENT INFECTION SYNDROME 2, AUTOSOMAL RECESSIVE; HYPER-IgE SYNDROME 2, AUTOSOMAL RECESSIVE, WITH RECURRENT INFECTIONS; DOCK8 Deficiency. Identifiers: Orphanet 217390, MedGen C4722305, MONDO:0009478, OMIM 243700.

Submission:

Labcorp Genetics (formerly Invitae), Labcorp
Classification: Uncertain significance for Combined immunodeficiency due to DOCK8 deficiency. Last evaluated: 2025-11-06. Review status: criteria provided, single submitter. Criteria: Invitae Variant Classification Sherloc (09022015). Collection method: clinical testing. Allele origin: germline.
Comment: This sequence change replaces alanine, which is neutral and non-polar, with valine, which is neutral and non-polar, at codon 1526 of the DOCK8 protein (p.Ala1526Val). This variant is not present in population databases (gnomAD no frequency). This variant has not been reported in the literature in individuals affected with DOCK8-related conditions. Invitae Evidence Modeling of protein sequence and biophysical properties (such as structural, functional, and spatial information, amino acid conservation, physicochemical variation, residue mobility, and thermodynamic stability) indicates that this missense variant is expected to disrupt DOCK8 protein function with a positive predictive value of 80%. In summary, the available evidence is currently insufficient to determine the role of this variant in disease. Therefore, it has been classified as a Variant of Uncertain Significance.